The following is an entry in ClinVar:

NM_201384.3(PLEC):c.11932G>A (p.Asp3978Asn)

Gene: PLEC (plectin; minus strand). Cytogenetic location: 8q24.3.
Variant type: single nucleotide variant.
Coding change: c.11932G>A on transcript NM_201384.3 (MANE Select); coding-DNA position 11932, G replaced by A.
Protein change: p.Asp3978Asn; replaces aspartic acid 3978 with asparagine.
Molecular consequence: missense variant.
Genome position (GRCh38, 1-based): chr8:143,917,889, C>T on the plus strand (G>A on the coding strand, the complement: PLEC is on the minus strand). VCF-style: chr8-143917889-C-T. GRCh37 (hg19) VCF-style: chr8-144992057-C-T.
Other names: c.12013G>A, p.Asp4005Asn (NM_000445.5); c.11890G>A, p.Asp3964Asn (NM_201378.4); c.11866G>A, p.Asp3956Asn (NM_201379.3); c.12343G>A, p.Asp4115Asn (NM_201380.4); c.11836G>A, p.Asp3946Asn (NM_201381.3); c.11932G>A, p.Asp3978Asn (NM_201382.4); c.11944G>A, p.Asp3982Asn (NM_201383.3); c.12013G>A (NM_000445.3); short protein forms D3946N, D3956N, D3964N, D3978N, D3982N, D4005N, D4115N.
Identifiers: ClinVar variation 1022616 (VCV001022616.13), dbSNP rs369738267, ClinGen allele CA4924211.
Genomic context (GRCh38, chr8:143,917,889, plus strand): 5'-GGCCCACAATGCCCATACGCACAGCCTCCTCCACCGTCAGCTTCAGTCCCTTGATGGGGT[C>T]GATGACGTAACCGGTGGCCGCCTGCGCCTCCAGGAGCTCAAAGGCTGTGCCGGGGCGGAT-3'
Protein context (NP_958786.1, residues 3968-3988): EAQAATGYVI[Asp3978Asn]PIKGLKLTVE

ClinVar aggregate classification (germline): Uncertain significance. Review status: criteria provided, multiple submitters, no conflicts (2 of 4 stars). 4 submissions from 4 submitters: Uncertain significance (4). Last evaluated 2025-03-06.

Conditions:
Autosomal recessive limb-girdle muscular dystrophy type 2Q (LGMDR17). Also called: MUSCULAR DYSTROPHY, LIMB-GIRDLE, AUTOSOMAL RECESSIVE 17. Identifiers: Orphanet 254361, MedGen C3150989, MONDO:0013390, OMIM 613723.
Epidermolysis bullosa simplex 5C, with pyloric atresia (EBS5C). Also called: PLEC-Related Epidermolysis Bullosa with Pyloric Atresia; Epidermolysis bullosa simplex with pyloric atresia; PLEC1-Related Epidermolysis Bullosa with Pyloric Atresia. Identifiers: Orphanet 158684, MedGen C2677349, MONDO:0012807, OMIM 612138.
Epidermolysis bullosa simplex 5B, with muscular dystrophy (EBS5B). Also called: Epidermolysis bullosa simplex with muscular dystrophy; EPIDERMOLYSIS BULLOSA SIMPLEX AND LIMB-GIRDLE MUSCULAR DYSTROPHY. Identifiers: Orphanet 257, MedGen C2931072, MONDO:0009181, OMIM 226670.
Epidermolysis bullosa simplex with nail dystrophy (EBS5D). Identifiers: MedGen C4225309, MONDO:0014661, OMIM 616487.
Epidermolysis bullosa simplex, Ogna type (EBS5A). Also called: Pidermolysis bullosa simplex 5A, Ogna type; EPIDERMOLYSIS BULLOSA SIMPLEX 5A, OGNA TYPE. Identifiers: Orphanet 79401, MedGen C0432317, MONDO:0007555, OMIM 131950.

Allele frequency attached by ClinVar (database versions not stated): gnomAD exomes 0.00003 and 0.00002; ExAC 0.00002; gnomAD 0.00003; ESP Exome Variant Server 0.00008; TOPMed 0.00003.
gnomAD v4.1: 43 of 1,612,962 alleles (0.0027%); highest among the groups gnomAD compares: Admixed American, 0.017%; no homozygotes.

Submissions (4):

Revvity Omics, Revvity
Classification: Uncertain significance. Last evaluated: 2025-03-06. Review status: criteria provided, single submitter. Criteria: ACMG Guidelines, 2015. Collection method: clinical testing. Allele origin: germline.

Labcorp Genetics (formerly Invitae), Labcorp
Classification: Uncertain significance for Autosomal recessive limb-girdle muscular dystrophy type 2Q; Epidermolysis bullosa simplex, Ogna type; Epidermolysis bullosa simplex with nail dystrophy; Epidermolysis bullosa simplex 5C, with pyloric atresia; Epidermolysis bullosa simplex 5B, with muscular dystrophy. Last evaluated: 2025-02-12. Review status: criteria provided, single submitter. Criteria: Invitae Variant Classification Sherloc (09022015). Collection method: clinical testing. Allele origin: germline.
Comment: This sequence change replaces aspartic acid, which is acidic and polar, with asparagine, which is neutral and polar, at codon 4005 of the PLEC protein (p.Asp4005Asn). This variant is present in population databases (rs369738267, gnomAD 0.01%). This variant has not been reported in the literature in individuals affected with PLEC-related conditions. ClinVar contains an entry for this variant (Variation ID: 1022616). Invitae Evidence Modeling of protein sequence and biophysical properties (such as structural, functional, and spatial information, amino acid conservation, physicochemical variation, residue mobility, and thermodynamic stability) indicates that this missense variant is expected to disrupt PLEC protein function with a positive predictive value of 80%. In summary, the available evidence is currently insufficient to determine the role of this variant in disease. Therefore, it has been classified as a Variant of Uncertain Significance.

Blueprint Genetics
Classification: Uncertain significance. Last evaluated: 2024-10-18. Review status: criteria provided, single submitter. Criteria: ACMG Guidelines, 2015. Collection method: clinical testing. Allele origin: germline.

Breakthrough Genomics
Classification: Uncertain significance. Review status: criteria provided, single submitter. Criteria: ACMG Guidelines, 2015. Collection method: not provided. Allele origin: germline. Inheritance: Autosomal recessive inheritance. Affected: yes.